The following is an entry in ClinVar:

ClinVar aggregate classification (germline): Uncertain significance. Review status: criteria provided, multiple submitters, no conflicts (2 of 4 stars). 2 submissions from 2 submitters: Uncertain significance (2). Last evaluated 2026-02-16.

Conditions:
Acute myeloid leukemia (AML). Also called: Leukemia, acute myeloid, somatic; Leukemia, acute myelogenous, somatic; Acute myeloid leukemia, adult; AML adult; Acute non-lymphocytic leukemia; Acute granulocytic leukemia. Identifiers: Orphanet 519, MedGen C0023467, MeSH D015470, MONDO:0018874, OMIM 601626, HP:0004808. Disease mechanism: Constitutively activated FLT3.
Inborn genetic diseases. Identifiers: MedGen C0950123, MeSH D030342.

Submissions (2):

Ambry Genetics
Classification: Uncertain significance for Inborn genetic diseases. Last evaluated: 2026-02-16. Review status: criteria provided, single submitter. Criteria: Ambry Variant Classification Scheme 2023. Collection method: clinical testing. Allele origin: germline.
Comment: The p.P197L variant (also known as c.590C>T), located in coding exon 1 of the CEBPA gene, results from a C to T substitution at nucleotide position 590. The proline at codon 197 is replaced by leucine, an amino acid with similar properties. This amino acid position is conserved. In addition, this alteration is predicted to be tolerated by in silico analysis. Based on the available evidence, the clinical significance of this variant remains unclear.

Labcorp Genetics (formerly Invitae), Labcorp
Classification: Uncertain significance for Acute myeloid leukemia. Last evaluated: 2020-12-23. Review status: criteria provided, single submitter. Criteria: Invitae Variant Classification Sherloc (09022015). Collection method: clinical testing. Allele origin: germline.
Comment: In summary, the available evidence is currently insufficient to determine the role of this variant in disease. Therefore, it has been classified as a Variant of Uncertain Significance. Algorithms developed to predict the effect of missense changes on protein structure and function (SIFT, PolyPhen-2, Align-GVGD) all suggest that this variant is likely to be tolerated, but these predictions have not been confirmed by published functional studies and their clinical significance is uncertain. This variant has not been reported in the literature in individuals with CEBPA-related conditions. The frequency data for this variant in the population databases is considered unreliable, as metrics indicate insufficient coverage at this position in the ExAC database. This sequence change replaces proline with leucine at codon 197 of the CEBPA protein (p.Pro197Leu). The proline residue is weakly conserved and there is a moderate physicochemical difference between proline and leucine.

NM_004364.5(CEBPA):c.590C>T (p.Pro197Leu)

Gene: CEBPA (CCAAT enhancer binding protein alpha; minus strand). Cytogenetic location: 19q13.11.
Variant type: single nucleotide variant.
Coding change: c.590C>T on transcript NM_004364.5 (MANE Select); coding-DNA position 590, C replaced by T.
Protein change: p.Pro197Leu; replaces proline 197 with leucine.
Molecular consequence: missense variant.
Genome position (GRCh38, 1-based): chr19:33,301,825, G>A on the plus strand (C>T on the coding strand, the complement: CEBPA is on the minus strand). VCF-style: chr19-33301825-G-A. GRCh37 (hg19) VCF-style: chr19-33792731-G-A.
Other names: c.590C>T (NM_004364.3); c.233C>T, p.Pro78Leu (NM_001285829.2); c.695C>T, p.Pro232Leu (NM_001287424.2); c.548C>T, p.Pro183Leu (NM_001287435.2); short protein forms P183L, P197L, P232L, P78L.
Identifiers: ClinVar variation 1062172 (VCV001062172.10), dbSNP rs1568419745, ClinGen allele CA405274625.